The following is an entry in ClinVar:

NM_052845.4(MMAB):c.581_582del (p.Arg194fs)

Gene: MMAB (metabolism of cobalamin associated B; minus strand). Cytogenetic location: 12q24.11.
Variant type: Microsatellite.
Coding change: c.581_582del on transcript NM_052845.4 (MANE Select); coding-DNA positions 581 to 582, 2 bases deleted (GA; older notation c.581_582delGA).
Protein change: p.Arg194fs; shifts the reading frame from arginine 194.
Molecular consequence: frameshift variant. On other transcripts: non-coding transcript variant (1).
Genome position (GRCh38, 1-based): chr12:109,561,042-109,561,043, TC deleted on the plus strand (GA on the coding strand, the reverse complement: MMAB is on the minus strand); deleting any 2 consecutive bases within chr12:109,561,042-109,561,047 gives the same sequence; the c. name uses the placement nearest the transcript's 3' end. VCF-style (leftmost placement, unchanged base first): chr12-109561041-GTC-G. GRCh37 (hg19) VCF-style: chr12-109998846-GTC-G.
Other names: c.581_582delGA (NM_052845.3); c.581_582del (NM_052845.3); short protein forms R194fs.
Identifiers: ClinVar variation 648669 (VCV000648669.9), dbSNP rs1592997663, ClinGen allele CA915946696.

ClinVar aggregate classification (germline): Likely pathogenic. Review status: criteria provided, multiple submitters, no conflicts (2 of 4 stars). 2 submissions from 2 submitters: Likely pathogenic (2). Last evaluated 2025-10-02.

Conditions:
Methylmalonic aciduria, cblB type (MACB). Also called: METHYLMALONIC ACIDURIA, VITAMIN B12-RESPONSIVE, DUE TO DEFECT IN SYNTHESIS OF ADENOSYLCOBALAMIN, cblB TYPE; Vitamin B12-responsive methylmalonic acidemia type cblB; Methylmalonic acidemia cblB type. Identifiers: Orphanet 28, Orphanet 79311, MedGen C1855102, MONDO:0009614, OMIM 251110.

Submissions (2):

Natera, Inc.
Classification: Likely pathogenic for Methylmalonic aciduria cblB type. Last evaluated: 2025-10-02. Review status: criteria provided, single submitter. Criteria: Natera Variant Classification Schema (03/2026). Collection method: clinical testing. Allele origin: germline.
Comment: The c.581_582del variant in MMAB is a frameshift variant predicted to shift the reading frame beginning at codon 194 and leads to a stop codon 24 codons downstream. This variant is expected to result in nonsense mediated decay, truncation, or a dysfunctional protein product. This variant is rare in the general population with a frequency below the threshold expected for the associated phenotype(s). This variant has been observed in one or more individuals affected with the associated recessive disease, as either homozygous or compound heterozygous with a second variant (PMID: 38863445). Given the available evidence, this variant is classified as Likely Pathogenic.

Labcorp Genetics (formerly Invitae), Labcorp
Classification: Likely pathogenic for Methylmalonic aciduria, cblB type. Last evaluated: 2018-08-30. Review status: criteria provided, single submitter. Criteria: Invitae Variant Classification Sherloc (09022015). Collection method: clinical testing. Allele origin: germline.
Comment: This variant is not present in population databases (ExAC no frequency). This sequence change results in a premature translational stop signal in the MMAB gene (p.Arg194Thrfs*24). While this is not anticipated to result in nonsense mediated decay, it is expected to disrupt the last 56 amino acids of the MMAB protein. This variant has not been reported in the literature in individuals with MMAB-related disease. Other truncations (p.Gln234*, p.Tyr219Serfs4, p.Ala228Profs*2, and p.Phe145Leufs*69) that lie downstream of this variant have been reported in individuals affected with methylmalonic acidemia (PMID: 22695176, 16410054). In summary, the currently available evidence indicates that the variant is pathogenic, but additional data are needed to prove that conclusively. Therefore, this variant has been classified as Likely Pathogenic.

Literature cited by the submitters: PubMed 38863445 (cited by Natera, Inc.); PubMed 22695176 (cited by Labcorp Genetics (formerly Invitae), Labcorp); PubMed 16410054 (cited by Labcorp Genetics (formerly Invitae), Labcorp).